The following is an entry in ClinVar:

NM_001384732.1(CPLANE1):c.5928G>A (p.Gly1976=)

Gene: CPLANE1 (ciliogenesis and planar polarity effector complex subunit 1; minus strand). Cytogenetic location: 5p13.2.
Variant type: single nucleotide variant.
Coding change: c.5928G>A on transcript NM_001384732.1 (MANE Select); coding-DNA position 5928, G replaced by A.
Protein change: p.Gly1976=; no amino-acid change (glycine 1976 retained).
Molecular consequence: synonymous variant.
Genome position (GRCh38, 1-based): chr5:37,175,959, C>T on the plus strand (G>A on the coding strand, the complement: CPLANE1 is on the minus strand). VCF-style: chr5-37175959-C-T. GRCh37 (hg19) VCF-style: chr5-37176061-C-T.
Other names: c.5928G>A, p.Gly1976= (NM_023073.4).
Identifiers: ClinVar variation 196711 (VCV000196711.47), dbSNP rs34161326, ClinGen allele CA243792.
Genomic context (GRCh38, chr5:37,175,959, plus strand): 5'-AACTTCTTACCTAGAAATTTCTGAACTCGTATCTACTTGCATTGATTGAGGAGTGGTATG[C>T]CCAGGATGTGAAAAGGCTTCGATCATACTATCAATAAAAATTAACAGGTGATTAGTAAGC-3'
Protein context (NP_001371661.1, residues 1966-1986): KGMIEAFSHP[Gly1976=]HTTPQSMQVD

ClinVar aggregate classification (germline): Conflicting classifications of pathogenicity. Review status: criteria provided, conflicting classifications (1 of 4 stars). 8 submissions from 8 submitters: Uncertain significance (2); Likely benign (4). 2 of the submissions do not count toward it. Last evaluated 2026-03-01.

Conditions:
Joubert syndrome 17 (JBTS17). Identifiers: Orphanet 475, MedGen C3553264, MONDO:0013824, OMIM 614615.

Allele frequency attached by ClinVar (database versions not stated): 1000 Genomes Project 30x 0.00031; 1000 Genomes Project 0.00040; gnomAD 0.00103 and 0.00104; TOPMed 0.00108; ESP Exome Variant Server 0.00123; ExAC 0.00133; gnomAD exomes 0.00140.
gnomAD v4.1: 1,766 of 1,612,964 alleles (0.11%); highest among the groups gnomAD compares: Middle Eastern, 0.32%; 3 homozygotes.

Submissions (8):

CeGaT Center for Human Genetics Tuebingen
Classification: Likely benign. Last evaluated: 2026-03-01. Review status: criteria provided, single submitter. Criteria: CeGaT Center For Human Genetics Tuebingen Variant Classification Criteria Version 2. Collection method: clinical testing. Allele origin: germline. Affected: yes. Observed: 6 variant alleles.
Comment: CPLANE1: BP4, BP7

Labcorp Genetics (formerly Invitae), Labcorp
Classification: Likely benign. Last evaluated: 2026-02-01. Review status: criteria provided, single submitter. Criteria: Invitae Variant Classification Sherloc (09022015). Collection method: clinical testing. Allele origin: germline.

Blueprint Genetics
Classification: Likely benign. Last evaluated: 2024-11-19. Review status: criteria provided, single submitter. Criteria: ACMG Guidelines, 2015. Collection method: clinical testing. Allele origin: germline.

GeneDx
Classification: Likely benign. Last evaluated: 2019-05-02. Review status: criteria provided, single submitter. Criteria: GeneDx Variant Classification Process June 2021. Collection method: clinical testing. Allele origin: germline. Affected: yes.

Illumina Laboratory Services, Illumina
Classification: Uncertain significance for Joubert syndrome 17. Last evaluated: 2018-01-13. Review status: criteria provided, single submitter. Criteria: ICSL Variant Classification Criteria 13 December 2019. Collection method: clinical testing. Allele origin: germline.

Eurofins Ntd Llc (ga)
Classification: Uncertain significance. Last evaluated: 2014-11-19. Review status: criteria provided, single submitter. Criteria: EGL Classification Definitions 2015. Collection method: clinical testing. Allele origin: germline. Observed: 1 variant allele, 1 heterozygote.

Clinical Genetics DNA and cytogenetics Diagnostics Lab, Erasmus MC, Erasmus Medical Center
Classification: Likely benign. Review status: no assertion criteria provided. Collection method: clinical testing. Allele origin: germline. Affected: yes. Study: VKGL Data-share Consensus. Not counted in ClinVar's aggregate classification.

Genome Diagnostics Laboratory, University Medical Center Utrecht
Classification: Likely benign. Review status: no assertion criteria provided. Collection method: clinical testing. Allele origin: germline. Affected: yes. Study: VKGL Data-share Consensus. Not counted in ClinVar's aggregate classification.